The following is an entry in ClinVar:

ClinVar aggregate classification (germline): Uncertain significance (1 of 4 stars; one submission).

Submission:

GeneDx
Classification: Uncertain significance. Last evaluated: 2017-02-17. Review status: criteria provided, single submitter. Criteria: GeneDx Variant Classification (06012015). Collection method: clinical testing. Allele origin: germline. Affected: yes.
Comment: A variant of uncertain significance has been identified in the TUBB3 gene. The N256Y variant has not been published as a pathogenic variant, nor has it been reported as a benign variant to our knowledge. The N256Y variant is not observed in large population cohorts (Lek et al., 2016; 1000 Genomes Consortium et al., 2015; Exome Variant Server). The N256Y variant is a semi-conservative amino acid substitution, which may impact secondary protein structure as these residues differ in some properties.. This substitution occurs at a position that is conserved across species and in silico analysis predicts this variant is probably damaging to the protein structure/function. Additionally, missense variants in nearby residues (R262C/H) have been reported in Human Gene Mutation Database in association with TUBB3-related disorders (Stenson et al., 2014), supporting the functional importance of this region of the protein. Based on the currently available information, it is unclear whether this variant is a pathogenic variant or a rare benign variant.

NM_006086.4(TUBB3):c.766A>T (p.Asn256Tyr)

Gene: TUBB3 (tubulin beta 3 class III; plus strand). Cytogenetic location: 16q24.3.
Variant type: single nucleotide variant.
Coding change: c.766A>T on transcript NM_006086.4 (MANE Select); coding-DNA position 766, A replaced by T.
Protein change: p.Asn256Tyr; replaces asparagine 256 with tyrosine.
Molecular consequence: missense variant.
Genome position (GRCh38, 1-based): chr16:89,935,217, A>T. VCF-style: chr16-89935217-A-T. GRCh37 (hg19) VCF-style: chr16-90001625-A-T.
Other names: c.550A>T, p.Asn184Tyr (NM_001197181.2); short protein forms N184Y, N256Y.
Identifiers: ClinVar variation 423464 (VCV000423464.2), dbSNP rs1064796443, ClinGen allele CA16620314.
Genomic context (GRCh38, chr16:89,935,217, plus strand): 5'-GTCACCACCTCCTTGCGCTTCCCGGGCCAGCTCAACGCTGACCTGCGCAAGCTGGCCGTC[A>T]ACATGGTGCCCTTCCCGCGCCTGCACTTCTTCATGCCCGGCTTCGCCCCCCTCACAGCCC-3'
Protein context (NP_006077.2, residues 246-266): LNADLRKLAV[Asn256Tyr]MVPFPRLHFF